The following is an entry in ClinVar:

ClinVar aggregate classification (germline): Uncertain significance (1 of 4 stars; one submission).

Conditions:
Developmental and epileptic encephalopathy, 11 (DEE11). Also called: Early infantile epileptic encephalopathy 11. Identifiers: Orphanet 1934, MedGen C3150987, MONDO:0013388, OMIM 613721.
Seizures, benign familial infantile, 3 (BFIS3). Also called: CONVULSIONS, BENIGN FAMILIAL INFANTILE, 3; Familial neonatal seizures. Identifiers: Orphanet 140927, Orphanet 306, MedGen C1843140, MONDO:0011904, OMIM 607745.

Submission:

Labcorp Genetics (formerly Invitae), Labcorp
Classification: Uncertain significance for Seizures, benign familial infantile, 3; Developmental and epileptic encephalopathy, 11. Last evaluated: 2017-09-20. Review status: criteria provided, single submitter. Criteria: Invitae Variant Classification Sherloc (09022015). Collection method: clinical testing. Allele origin: germline.
Comment: This sequence change replaces glutamic acid with lysine at codon 429 of the SCN2A protein (p.Glu429Lys). The glutamic acid residue is highly conserved and there is a small physicochemical difference between glutamic acid and lysine. This variant is not present in population databases (ExAC no frequency). This variant has not been reported in the literature in individuals with SCN2A-related disease. Algorithms developed to predict the effect of missense changes on protein structure and function do not agree on the potential impact of this missense change (SIFT: "Deleterious"; PolyPhen-2: "Probably Damaging"; Align-GVGD: "Class C0"). In summary, the available evidence is currently insufficient to determine the role of this variant in disease. Therefore, it has been classified as a Variant of Uncertain Significance.

NM_001040142.2(SCN2A):c.1285G>A (p.Glu429Lys)

Gene: SCN2A (sodium voltage-gated channel alpha subunit 2; plus strand). Cytogenetic location: 2q24.3.
Variant type: single nucleotide variant.
Coding change: c.1285G>A on transcript NM_001040142.2 (MANE Select); coding-DNA position 1285, G replaced by A.
Protein change: p.Glu429Lys; replaces glutamic acid 429 with lysine.
Molecular consequence: missense variant.
Genome position (GRCh38, 1-based): chr2:165,314,010, G>A. VCF-style: chr2-165314010-G-A. GRCh37 (hg19) VCF-style: chr2-166170520-G-A.
Other names: c.1285G>A, p.Glu429Lys (NM_001040143.2, NM_001371246.1, NM_001371247.1 and 1 more transcripts); short protein forms E429K.
Identifiers: ClinVar variation 533488 (VCV000533488.9), dbSNP rs1553568987, ClinGen allele CA349022286.